The following is an entry in ClinVar:

NM_024649.5(BBS1):c.1088T>C (p.Leu363Pro)

Genes: ZDHHC24 (zDHHC palmitoyltransferase 24; minus strand), BBS1 (Bardet-Biedl syndrome 1; plus strand). Cytogenetic location: 11q13.2.
Variant type: single nucleotide variant.
Coding change: c.1088T>C on transcript NM_024649.5 (MANE Select); coding-DNA position 1088, T replaced by C.
Protein change: p.Leu363Pro; replaces leucine 363 with proline.
Molecular consequence: missense variant. On other transcripts: intron variant (1).
Genome position (GRCh38, 1-based): chr11:66,523,860, T>C. VCF-style: chr11-66523860-T-C. GRCh37 (hg19) VCF-style: chr11-66291331-T-C.
Other names: c.*22-2394A>G (NM_001348571.2); short protein forms L363P.
Identifiers: ClinVar variation 462951 (VCV000462951.27), dbSNP rs540217506, ClinGen allele CA6123606.
Genomic context (GRCh38, chr11:66,523,860, plus strand): 5'-TGCAGGCCGTCATGGCTGGGCTGGCCAATGGAGAGGTCCGCATTTATCGTGACAAGGCCC[T>C]GCTCAATGTCATCCACACCCCGGTGAGCCCCATCTCCGGCATCTGCCACTCACTCCTCCT-3'
Protein context (NP_078925.3, residues 353-373): GEVRIYRDKA[Leu363Pro]LNVIHTPDAV

ClinVar aggregate classification (germline): Uncertain significance. Review status: criteria provided, multiple submitters, no conflicts (2 of 4 stars). 7 submissions from 7 submitters: Uncertain significance (6). 1 of the submissions does not count toward it. Last evaluated 2026-08-06.

Conditions:
BBS1-related disorder. Also called: BBS1-related condition.
Bardet-Biedl syndrome (BBS). Identifiers: Orphanet 110, MedGen C0752166, MONDO:0015229.
Bardet-Biedl syndrome 1 (BBS1). Identifiers: MedGen C2936862, MONDO:0008854, OMIM 209900. Disease mechanism: loss of function.

Allele frequency attached by ClinVar (database versions not stated): gnomAD 0.00003 and below 0.00001; 1000 Genomes Project 0.00020; TOPMed 0.00002; gnomAD exomes 0.00006 and 0.00010; ExAC 0.00012; 1000 Genomes Project 30x 0.00016.
gnomAD v4.1: 94 of 1,613,504 alleles (0.0058%); highest among the groups gnomAD compares: South Asian, 0.092%; 1 homozygote.

Submissions (7):

PreventionGenetics, part of Exact Sciences
Classification: Uncertain significance for BBS1-related condition. Last evaluated: 2026-08-06. Review status: criteria provided, single submitter. Criteria: ACMG Guidelines, 2015. Collection method: clinical testing. Allele origin: germline.
Comment: The BBS1 c.1088T>C variant is predicted to result in the amino acid substitution p.Leu363Pro. To our knowledge, this variant has not been reported in the literature. This variant is reported in 0.075% of alleles in individuals of South Asian descent in gnomAD. Although we suspect that this variant may be benign, at this time, the clinical significance of this variant is uncertain due to the absence of conclusive functional and genetic evidence.

GeneDx
Classification: Uncertain significance. Last evaluated: 2024-11-13. Review status: criteria provided, single submitter. Criteria: GeneDx Variant Classification Process June 2021. Collection method: clinical testing. Allele origin: germline. Affected: yes.
Comment: In silico analysis supports that this missense variant has a deleterious effect on protein structure/function; Has not been previously published as pathogenic or benign to our knowledge

Blueprint Genetics
Classification: Uncertain significance. Last evaluated: 2024-10-02. Review status: criteria provided, single submitter. Criteria: ACMG Guidelines, 2015. Collection method: clinical testing. Allele origin: germline.

Labcorp Genetics (formerly Invitae), Labcorp
Classification: Uncertain significance for Bardet-Biedl syndrome. Last evaluated: 2022-02-24. Review status: criteria provided, single submitter. Criteria: Invitae Variant Classification Sherloc (09022015). Collection method: clinical testing. Allele origin: germline.
Comment: This sequence change replaces leucine, which is neutral and non-polar, with proline, which is neutral and non-polar, at codon 363 of the BBS1 protein (p.Leu363Pro). This variant is present in population databases (rs540217506, gnomAD 0.07%). This missense change has been observed in individual(s) with clinical features of BBS1-related conditions (PMID: 10564830; Invitae). ClinVar contains an entry for this variant (Variation ID: 462951). Algorithms developed to predict the effect of missense changes on protein structure and function (SIFT, PolyPhen-2, Align-GVGD) all suggest that this variant is likely to be disruptive. In summary, the available evidence is currently insufficient to determine the role of this variant in disease. Therefore, it has been classified as a Variant of Uncertain Significance.

Fulgent Genetics
Classification: Uncertain significance for Bardet-Biedl syndrome 1. Last evaluated: 2021-12-04. Review status: criteria provided, single submitter. Criteria: ACMG Guidelines, 2015. Collection method: clinical testing. Allele origin: unknown.

Illumina Laboratory Services, Illumina
Classification: Uncertain significance for Bardet-Biedl syndrome 1. Last evaluated: 2017-04-27. Review status: criteria provided, single submitter. Criteria: ICSL Variant Classification Criteria 13 December 2019. Collection method: clinical testing. Allele origin: germline.
Comment: This variant was observed as part of a predisposition screen in an ostensibly healthy population. A literature search was performed for the gene, cDNA change, and amino acid change (where applicable). Publications were found based on this search. However, the evidence from the literature, in combination with allele frequency data from public databases where available, was not sufficient to rule this variant in or out of causing disease. Therefore, this variant is classified as a variant of unknown significance.

Natera, Inc.
Classification: Uncertain significance for Bardet-Biedl syndrome type 1. Last evaluated: 2019-10-28. Review status: no assertion criteria provided. Collection method: clinical testing. Allele origin: germline. Not counted in ClinVar's aggregate classification.

Literature cited by the submitters: PubMed 10564830 (cited by Labcorp Genetics (formerly Invitae), Labcorp and Illumina Laboratory Services, Illumina).